The following is an entry in ClinVar:

ClinVar aggregate classification (germline): Uncertain significance (1 of 4 stars; one submission).

Conditions:
Familial cancer of breast. Also called: hereditary breast carcinoma; BREAST CANCER, FAMILIAL; Hereditary breast cancer. Identifiers: Orphanet 227535, MedGen C0346153, MONDO:0016419, OMIM 114480. Disease mechanism: loss of function.

Submission:

Labcorp Genetics (formerly Invitae), Labcorp
Classification: Uncertain significance for Familial cancer of breast. Last evaluated: 2024-08-05. Review status: criteria provided, single submitter. Criteria: Invitae Variant Classification Sherloc (09022015). Collection method: clinical testing. Allele origin: germline.
Comment: This sequence change replaces methionine, which is neutral and non-polar, with isoleucine, which is neutral and non-polar, at codon 420 of the BARD1 protein (p.Met420Ile). This variant is not present in population databases (gnomAD no frequency). This variant has not been reported in the literature in individuals affected with BARD1-related conditions. An algorithm developed to predict the effect of missense changes on protein structure and function (PolyPhen-2) suggests that this variant is likely to be tolerated. In summary, the available evidence is currently insufficient to determine the role of this variant in disease. Therefore, it has been classified as a Variant of Uncertain Significance.

NM_000465.4(BARD1):c.1260G>A (p.Met420Ile)

Gene: BARD1 (BRCA1 associated RING domain 1; minus strand). Cytogenetic location: 2q35.
Variant type: single nucleotide variant.
Coding change: c.1260G>A on transcript NM_000465.4 (MANE Select); coding-DNA position 1260, G replaced by A.
Protein change: p.Met420Ile; replaces methionine 420 with isoleucine.
Molecular consequence: missense variant. On other transcripts: non-coding transcript variant (2), intron variant (3).
Genome position (GRCh38, 1-based): chr2:214,780,614, C>T on the plus strand (G>A on the coding strand, the complement: BARD1 is on the minus strand). VCF-style: chr2-214780614-C-T. GRCh37 (hg19) VCF-style: chr2-215645338-C-T.
Other names: c.1203G>A, p.Met401Ile (NM_001282543.2); c.159-28059G>A (NM_001282548.2); c.215+16447G>A (NM_001282545.2); c.364+11683G>A (NM_001282549.2); short protein forms M401I, M420I.
Identifiers: ClinVar variation 3685883 (VCV003685883.2).